The following is an entry in ClinVar:

ClinVar aggregate classification (germline): Uncertain significance (1 of 4 stars; one submission).

Conditions:
Hereditary cancer-predisposing syndrome. Also called: Tumor predisposition; Neoplastic Syndromes, Hereditary; Hereditary Cancer Syndrome; Hereditary neoplastic syndrome. Identifiers: Orphanet 140162, MedGen C0027672, MeSH D009386, MONDO:0015356.

Submission:

Ambry Genetics
Classification: Uncertain significance for Hereditary cancer-predisposing syndrome. Last evaluated: 2024-12-15. Review status: criteria provided, single submitter. Criteria: Ambry Variant Classification Scheme 2023. Collection method: clinical testing. Allele origin: germline.
Comment: The p.T37S variant (also known as c.110C>G), located in coding exon 2 of the PMS2 gene, results from a C to G substitution at nucleotide position 110. The threonine at codon 37 is replaced by serine, an amino acid with similar properties. This amino acid position is conserved. In addition, this alteration is predicted to be tolerated by in silico analysis. Based on the available evidence, the clinical significance of this variant remains unclear.

NM_000535.7(PMS2):c.110C>G (p.Thr37Ser)

Gene: PMS2 (PMS1 homolog 2, mismatch repair system component; minus strand). Cytogenetic location: 7p22.1.
Variant type: single nucleotide variant.
Coding change: c.110C>G on transcript NM_000535.7 (MANE Select); coding-DNA position 110, C replaced by G.
Protein change: p.Thr37Ser; replaces threonine 37 with serine.
Molecular consequence: missense variant. On other transcripts: 5 prime UTR variant (38), non-coding transcript variant (1), intron variant (7).
Genome position (GRCh38, 1-based): chr7:6,005,945, G>C on the plus strand (C>G on the coding strand, the complement: PMS2 is on the minus strand). VCF-style: chr7-6005945-G-C. GRCh37 (hg19) VCF-style: chr7-6045576-G-C.
Other names: c.-296C>G (NM_001322003.2, NM_001322005.2, NM_001322009.2 and 10 more transcripts); c.110C>G, p.Thr37Ser (NM_001322006.2, NM_001322014.2, NM_001406868.1 and 10 more transcripts); c.-106C>G (NM_001322007.2, NM_001406876.1, NM_001406883.1 and 4 more transcripts); c.-775C>G (NM_001322011.2, NM_001322012.2); c.-375C>G (NM_001322015.2, NM_001406875.1, NM_001406877.1 and 2 more transcripts); c.296C>G, p.Thr99Ser (NM_001406866.1); c.-322C>G (NM_001406880.1); c.-243C>G (NM_001406888.1, NM_001406889.1, NM_001406892.1 and 5 more transcripts); and 7 more; short protein forms T37S, T99S.
Identifiers: ClinVar variation 3890968 (VCV003890968.1).